The following is an entry in ClinVar:

NM_012250.6(RRAS2):c.552T>C (p.Pro184=)

Gene: RRAS2 (RAS related 2; minus strand). Cytogenetic location: 11p15.2.
Variant type: single nucleotide variant.
Coding change: c.552T>C on transcript NM_012250.6 (MANE Select); coding-DNA position 552, T replaced by C.
Protein change: p.Pro184=; no amino-acid change (proline 184 retained).
Molecular consequence: synonymous variant.
Genome position (GRCh38, 1-based): chr11:14,279,400, A>G on the plus strand (T>C on the coding strand, the complement: RRAS2 is on the minus strand). VCF-style: chr11-14279400-A-G. GRCh37 (hg19) VCF-style: chr11-14300946-A-G.
Other names: p.Pro184=; c.321T>C, p.Pro107= (NM_001102669.3, NM_001177315.2); c.447T>C, p.Pro149= (NM_001177314.2).
Identifiers: ClinVar variation 2053260 (VCV002053260.18), dbSNP rs11023174, ClinGen allele CA5894230.

ClinVar aggregate classification (germline): Benign/Likely benign. Review status: criteria provided, multiple submitters, no conflicts (2 of 4 stars). 3 submissions from 3 submitters: Benign (2); Likely benign (1). Last evaluated 2026-01-18.

Allele frequency attached by ClinVar (database versions not stated): gnomAD 0.00079; TOPMed 0.00083; 1000 Genomes Project 0.00479; 1000 Genomes Project 30x 0.00515.
gnomAD v4.1: 692 of 1,612,326 alleles (0.043%); highest among the groups gnomAD compares: East Asian, 1.3%; 5 homozygotes.

Submissions (3):

Labcorp Genetics (formerly Invitae), Labcorp
Classification: Benign. Last evaluated: 2026-01-18. Review status: criteria provided, single submitter. Criteria: Invitae Variant Classification Sherloc (09022015). Collection method: clinical testing. Allele origin: germline.

CeGaT Center for Human Genetics Tuebingen
Classification: Likely benign. Last evaluated: 2025-12-01. Review status: criteria provided, single submitter. Criteria: CeGaT Center For Human Genetics Tuebingen Variant Classification Criteria Version 2. Collection method: clinical testing. Allele origin: germline. Affected: yes. Observed: 2 variant alleles.
Comment: RRAS2: BP4, BP7, BS1

Mayo Clinic Laboratories, Mayo Clinic
Classification: Benign. Last evaluated: 2025-10-16. Review status: criteria provided, single submitter. Criteria: ACMG Guidelines, 2015. Collection method: clinical testing. Allele origin: germline. Observed: 2 variant alleles.
Comment: BA1, BP4, BP7